The following is an entry in ClinVar:

ClinVar aggregate classification (germline): Pathogenic (1 of 4 stars; one submission).

Conditions:
Congenital myasthenic syndrome 20. Also called: Myasthenic syndrome, congenital, 20, presynaptic. Identifiers: MedGen C4310694, MONDO:0014939, OMIM 617143.
Neuronopathy, distal hereditary motor, type 7A. Also called: HARPER-YOUNG MYOPATHY; HMN VIIA; Neuronopathy, distal hereditary motor, type viia; SPINAL MUSCULAR ATROPHY, DISTAL, WITH VOCAL CORD PARALYSIS; NEURONOPATHY, DISTAL HEREDITARY MOTOR, HARDING TYPE VIIA; NEUROPATHY, DISTAL HEREDITARY MOTOR, HARDING TYPE VIIA. Identifiers: Orphanet 139589, MedGen C1834703, MONDO:0008024, OMIM 158580.

Submission:

Labcorp Genetics (formerly Invitae), Labcorp
Classification: Pathogenic for Neuronopathy, distal hereditary motor, type 7A; Congenital myasthenic syndrome 20. Last evaluated: 2025-03-07. Review status: criteria provided, single submitter. Criteria: Invitae Variant Classification Sherloc (09022015). Collection method: clinical testing. Allele origin: germline.
Comment: This sequence change creates a premature translational stop signal (p.Gly45Valfs*14) in the SLC5A7 gene. It is expected to result in an absent or disrupted protein product. Loss-of-function variants in SLC5A7 are known to be pathogenic (PMID: 15173594, 27569547, 39135055). This variant is not present in population databases (gnomAD no frequency). This variant has not been reported in the literature in individuals affected with SLC5A7-related conditions. For these reasons, this variant has been classified as Pathogenic.

Literature cited by the submitters: PubMed 15173594; PubMed 27569547; PubMed 39135055.

NM_021815.5(SLC5A7):c.134del (p.Gly45fs)

Gene: SLC5A7 (solute carrier family 5 member 7; plus strand). Cytogenetic location: 2q12.3.
Variant type: Deletion.
Coding change: c.134del on transcript NM_021815.5 (MANE Select); coding-DNA position 134, one base deleted (G; older notation c.134delG).
Protein change: p.Gly45fs; shifts the reading frame from glycine 45.
Molecular consequence: frameshift variant. On other transcripts: 5 prime UTR variant (1), intron variant (1).
Genome position (GRCh38, 1-based): chr2:107,988,289, G deleted; the last of 2 consecutive G bases (chr2:107,988,288-107,988,289); deleting either gives the same sequence. VCF-style (leftmost placement, unchanged base first): chr2-107988287-TG-T. GRCh37 (hg19) VCF-style: chr2-108604743-TG-T.
Other names: c.134del, p.Gly45fs (NM_001305005.3); c.-571del (NM_001305007.3); c.-138+1526del (NM_001305006.3); short protein forms G45fs.
Identifiers: ClinVar variation 3756992 (VCV003756992.2).